The following is an entry in ClinVar:

ClinVar aggregate classification (germline): Uncertain significance (1 of 4 stars; one submission).

Allele frequency attached by ClinVar (database versions not stated): gnomAD 0.00002; gnomAD exomes 0.00002 and 0.00004; TOPMed 0.00002; ExAC 0.00004; ESP Exome Variant Server 0.00008.
gnomAD v4.1: 32 of 1,614,098 alleles (0.002%); highest among the groups gnomAD compares: East Asian, 0.0045%; no homozygotes.

Submission:

Labcorp Genetics (formerly Invitae), Labcorp
Classification: Uncertain significance. Last evaluated: 2024-11-04. Review status: criteria provided, single submitter. Criteria: Invitae Variant Classification Sherloc (09022015). Collection method: clinical testing. Allele origin: germline.
Comment: This sequence change replaces arginine, which is basic and polar, with histidine, which is basic and polar, at codon 1213 of the DUOX2 protein (p.Arg1213His). This variant is present in population databases (rs370363009, gnomAD 0.02%). This missense change has been observed in individual(s) with congenital hypothyroidism (PMID: 28444304). ClinVar contains an entry for this variant (Variation ID: 1508563). Invitae Evidence Modeling of protein sequence and biophysical properties (such as structural, functional, and spatial information, amino acid conservation, physicochemical variation, residue mobility, and thermodynamic stability) indicates that this missense variant is not expected to disrupt DUOX2 protein function with a negative predictive value of 80%. In summary, the available evidence is currently insufficient to determine the role of this variant in disease. Therefore, it has been classified as a Variant of Uncertain Significance.

Literature cited by the submitters: PubMed 28444304.

NM_001363711.2(DUOX2):c.3638G>A (p.Arg1213His)

Gene: DUOX2 (dual oxidase 2; minus strand). Cytogenetic location: 15q21.1.
Variant type: single nucleotide variant.
Coding change: c.3638G>A on transcript NM_001363711.2 (MANE Select); coding-DNA position 3638, G replaced by A.
Protein change: p.Arg1213His; replaces arginine 1213 with histidine.
Molecular consequence: missense variant.
Genome position (GRCh38, 1-based): chr15:45,097,669, C>T on the plus strand (G>A on the coding strand, the complement: DUOX2 is on the minus strand). VCF-style: chr15-45097669-C-T. GRCh37 (hg19) VCF-style: chr15-45389867-C-T.
Other names: c.3638G>A, p.Arg1213His (NM_014080.5); short protein forms R1213H.
Identifiers: ClinVar variation 1508563 (VCV001508563.5), dbSNP rs370363009, ClinGen allele CA7537784.